The following is an entry in ClinVar:

NM_170784.3(MKKS):c.943A>G (p.Arg315Gly)

Gene: MKKS (MKKS centrosomal shuttling protein; minus strand). Cytogenetic location: 20p12.2.
Variant type: single nucleotide variant.
Coding change: c.943A>G on transcript NM_170784.3 (MANE Select); coding-DNA position 943, A replaced by G.
Protein change: p.Arg315Gly; replaces arginine 315 with glycine.
Molecular consequence: missense variant.
Genome position (GRCh38, 1-based): chr20:10,412,572, T>C on the plus strand (A>G on the coding strand, the complement: MKKS is on the minus strand). VCF-style: chr20-10412572-T-C. GRCh37 (hg19) VCF-style: chr20-10393220-T-C.
Other names: c.943A>G, p.Arg315Gly (NM_018848.3); short protein forms R315G.
Identifiers: ClinVar variation 4992906 (VCV004992906.1).

ClinVar aggregate classification (germline): Uncertain significance (1 of 4 stars; one submission).

Conditions:
MKKS-related disorder. Also called: MKKS-related disorders; MKKS-related condition.

Submission:

PreventionGenetics, part of Exact Sciences
Classification: Uncertain significance for MKKS-related condition. Last evaluated: 2026-08-18. Review status: criteria provided, single submitter. Criteria: ACMG Guidelines, 2015. Collection method: clinical testing. Allele origin: germline.
Comment: The MKKS c.943A>G variant is predicted to result in the amino acid substitution p.Arg315Gly. To our knowledge, this variant has not been reported in the literature or in a large population database (gnomAD), indicating this variant is rare. At this time, the clinical significance of this variant is uncertain due to the absence of conclusive functional and genetic evidence.